The following is an entry in ClinVar:

NM_000719.7(CACNA1C):c.2504G>A (p.Ser835Asn)

Gene: CACNA1C (calcium voltage-gated channel subunit alpha1 C; plus strand). Cytogenetic location: 12p13.33.
Variant type: single nucleotide variant.
Coding change: c.2504G>A on transcript NM_000719.7 (MANE Select); coding-DNA position 2504, G replaced by A.
Protein change: p.Ser835Asn; replaces serine 835 with asparagine.
Molecular consequence: missense variant.
Genome position (GRCh38, 1-based): chr12:2,585,878, G>A. VCF-style: chr12-2585878-G-A. GRCh37 (hg19) VCF-style: chr12-2695044-G-A.
Other names: c.2504G>A, p.Ser835Asn (NM_001129827.2, NM_001129829.2, NM_001129830.3 and 18 more transcripts); c.2495G>A, p.Ser832Asn (NM_001129844.2); short protein forms S832N, S835N.
Identifiers: ClinVar variation 3359452 (VCV003359452.1).
Genomic context (GRCh38, chr12:2,585,878, plus strand): 5'-CCCCTGTGACTGTCTAGATCAACATGGATGACCTCCAGCCCAATGAAAATGAGGATAAGA[G>A]CCCCTACCCCAACCCAGAAACTACAGGTACCAGTCCCACTGCCTAACCTGGGATTGGGAG-3'
Protein context (NP_000710.5, residues 825-845): DLQPNENEDK[Ser835Asn]PYPNPETTGE

ClinVar aggregate classification (germline): Uncertain significance (1 of 4 stars; one submission).

gnomAD v4.1: 4 of 1,606,504 alleles (0.00025%); highest among the groups gnomAD compares: South Asian, 0.0034%; no homozygotes.

Submission:

GeneDx
Classification: Uncertain significance. Last evaluated: 2023-06-06. Review status: criteria provided, single submitter. Criteria: GeneDx Variant Classification Process June 2021. Collection method: clinical testing. Allele origin: germline. Affected: yes.
Comment: Not observed at significant frequency in large population cohorts (gnomAD); In silico analysis supports that this missense variant does not alter protein structure/function; Has not been previously published as pathogenic or benign to our knowledge